The following is an entry in ClinVar:

NM_006922.4(SCN3A):c.500T>C (p.Phe167Ser)

Gene: SCN3A (sodium voltage-gated channel alpha subunit 3; minus strand). Cytogenetic location: 2q24.3.
Variant type: single nucleotide variant.
Coding change: c.500T>C on transcript NM_006922.4 (MANE Select); coding-DNA position 500, T replaced by C.
Protein change: p.Phe167Ser; replaces phenylalanine 167 with serine.
Molecular consequence: missense variant.
Genome position (GRCh38, 1-based): chr2:165,164,494, A>G on the plus strand (T>C on the coding strand, the complement: SCN3A is on the minus strand). VCF-style: chr2-165164494-A-G. GRCh37 (hg19) VCF-style: chr2-166021004-A-G.
Other names: c.500T>C, p.Phe167Ser (NM_001081676.2, NM_001081677.2); short protein forms F167S.
Identifiers: ClinVar variation 2721859 (VCV002721859.3), dbSNP rs779054143, ClinGen allele CA1939426.

ClinVar aggregate classification (germline): Uncertain significance (1 of 4 stars; one submission).

Allele frequency attached by ClinVar (database versions not stated): ExAC 0.00001; gnomAD 0.00001; TOPMed 0.00001.
gnomAD v4.1: 7 of 1,613,692 alleles (0.00043%); highest among the groups gnomAD compares: Admixed American, 0.0017%; no homozygotes.

Submission:

Labcorp Genetics (formerly Invitae), Labcorp
Classification: Uncertain significance. Last evaluated: 2024-04-16. Review status: criteria provided, single submitter. Criteria: Invitae Variant Classification Sherloc (09022015). Collection method: clinical testing. Allele origin: germline.
Comment: This sequence change replaces phenylalanine, which is neutral and non-polar, with serine, which is neutral and polar, at codon 167 of the SCN3A protein (p.Phe167Ser). This variant is present in population databases (rs779054143, gnomAD 0.0009%). This variant has not been reported in the literature in individuals affected with SCN3A-related conditions. Advanced modeling of protein sequence and biophysical properties (such as structural, functional, and spatial information, amino acid conservation, physicochemical variation, residue mobility, and thermodynamic stability) has been performed at Invitae for this missense variant, however the output from this modeling did not meet the statistical confidence thresholds required to predict the impact of this variant on SCN3A protein function. In summary, the available evidence is currently insufficient to determine the role of this variant in disease. Therefore, it has been classified as a Variant of Uncertain Significance.